The following is an entry in ClinVar:

NM_001267550.2(TTN):c.62861dup (p.Val20955fs)

Genes: TTN (titin; minus strand), TTN-AS1 (TTN antisense RNA 1; plus strand). Cytogenetic location: 2q31.2.
Variant type: Duplication.
Coding change: c.62861dup on transcript NM_001267550.2 (MANE Select); coding-DNA position 62861, one base duplicated (C; older notation c.62861dupC).
Protein change: p.Val20955fs; shifts the reading frame from valine 20955.
Molecular consequence: frameshift variant.
Genome position (GRCh38, 1-based): chr2:178,588,864, G duplicated on the plus strand (C on the coding strand, the reverse complement: TTN is on the minus strand); the first of 2 consecutive G bases (chr2:178,588,864-178,588,865); duplicating either gives the same sequence. VCF-style (leftmost placement, unchanged base first): chr2-178588863-T-TG. GRCh37 (hg19) VCF-style: chr2-179453590-T-TG.
Other names: c.57938dup, p.Val19314fs (NM_001256850.1); c.35666dup, p.Val11890fs (NM_003319.4); c.55157dup, p.Val18387fs (NM_133378.4); c.36041dup, p.Val12015fs (NM_133432.3); c.36242dup, p.Val12082fs (NM_133437.4); short protein forms V11890fs, V12015fs, V12082fs, V18387fs, V19314fs, V20955fs.
Identifiers: ClinVar variation 3895108 (VCV003895108.2).

ClinVar aggregate classification (germline): Pathogenic/Likely pathogenic. Review status: criteria provided, multiple submitters, no conflicts (2 of 4 stars). 2 submissions from 2 submitters: Pathogenic (1); Likely pathogenic (1). Last evaluated 2025-02-06.

Conditions:
Dilated cardiomyopathy 1G (CMD1G). Identifiers: Orphanet 154, MedGen C1858763, MONDO:0011400, OMIM 604145.
Autosomal recessive limb-girdle muscular dystrophy type 2J (LGMDR10). Also called: MUSCULAR DYSTROPHY, LIMB-GIRDLE, AUTOSOMAL RECESSIVE 10; Limb-girdle muscular dystrophy, type 2J. Identifiers: Orphanet 140922, MedGen C1837342, MONDO:0012127, OMIM 608807.
Cardiovascular phenotype. Identifiers: MedGen CN230736.

Submissions (2):

Labcorp Genetics (formerly Invitae), Labcorp
Classification: Likely pathogenic for Dilated cardiomyopathy 1G; Autosomal recessive limb-girdle muscular dystrophy type 2J. Last evaluated: 2025-02-06. Review status: criteria provided, single submitter. Criteria: Invitae Variant Classification Sherloc (09022015). Collection method: clinical testing. Allele origin: germline.
Comment: This sequence change creates a premature translational stop signal (p.Val20955Serfs*8) in the TTN gene. While this is not anticipated to result in nonsense mediated decay, it is expected to create a truncated TTN protein. This variant is not present in population databases (gnomAD no frequency). This variant has not been reported in the literature in individuals affected with TTN-related conditions. This variant is located in the A band of TTN (PMID: 25589632). Truncating variants in this region are significantly overrepresented in patients affected with dilated cardiomyopathy (PMID: 25589632). Truncating variants in this region have also been reported in individuals affected with autosomal recessive centronuclear myopathy (PMID: 23975875). In summary, the currently available evidence indicates that the variant is pathogenic, but additional data are needed to prove that conclusively. Therefore, this variant has been classified as Likely Pathogenic.

Molecular Diagnostic Laboratory for Inherited Cardiovascular Disease, Montreal Heart Institute
Classification: Pathogenic for Cardiovascular phenotype. Last evaluated: 2024-01-18. Review status: criteria provided, single submitter. Criteria: ACMG Guidelines, 2015. Collection method: clinical testing. Allele origin: germline. Affected: yes.
Comment: PVS1, PM2, PP1

Literature cited by the submitters: PubMed 25589632 (cited by Labcorp Genetics (formerly Invitae), Labcorp); PubMed 23975875 (cited by Labcorp Genetics (formerly Invitae), Labcorp).